The following is an entry in ClinVar:

NM_005220.3(DLX3):c.702G>A (p.Pro234=)

Gene: DLX3 (distal-less homeobox 3; minus strand). Cytogenetic location: 17q21.33.
Variant type: single nucleotide variant.
Coding change: c.702G>A on transcript NM_005220.3 (MANE Select); coding-DNA position 702, G replaced by A.
Protein change: p.Pro234=; no amino-acid change (proline 234 retained).
Molecular consequence: synonymous variant.
Genome position (GRCh38, 1-based): chr17:49,991,679, C>T on the plus strand (G>A on the coding strand, the complement: DLX3 is on the minus strand). VCF-style: chr17-49991679-C-T. GRCh37 (hg19) VCF-style: chr17-48069043-C-T.
Other names: c.702G>A (NM_005220.2).
Identifiers: ClinVar variation 1452015 (VCV001452015.9), dbSNP rs762966408, ClinGen allele CA8640958.

ClinVar aggregate classification (germline): Likely benign. Review status: criteria provided, multiple submitters, no conflicts (2 of 4 stars). 2 submissions from 2 submitters: Likely benign (2). Last evaluated 2026-06-22.

Conditions:
DLX3-related disorder. Also called: DLX3-related condition.

Allele frequency attached by ClinVar (database versions not stated): TOPMed below 0.00001; ExAC 0.00001; gnomAD 0.00001; gnomAD exomes 0.00001 and 0.00002.
gnomAD v4.1: 21 of 1,612,330 alleles (0.0013%); highest among the groups gnomAD compares: East Asian, 0.018%; no homozygotes.

Submissions (2):

PreventionGenetics, part of Exact Sciences
Classification: Likely benign for DLX3-related condition. Last evaluated: 2026-06-22. Review status: criteria provided, single submitter. Criteria: ACMG Guidelines, 2015. Collection method: clinical testing. Allele origin: germline.
Comment: This variant is classified as likely benign based on ACMG/AMP sequence variant interpretation guidelines (Richards et al. 2015 PMID: 25741868, with internal and published modifications).

Labcorp Genetics (formerly Invitae), Labcorp
Classification: Likely benign. Last evaluated: 2025-09-05. Review status: criteria provided, single submitter. Criteria: Invitae Variant Classification Sherloc (09022015). Collection method: clinical testing. Allele origin: germline.